The following is an entry in ClinVar:

NM_002878.4(RAD51D):c.718G>C (p.Asp240His)

Genes: RAD51D (RAD51 paralog D; minus strand), RAD51L3-RFFL (RAD51L3-RFFL readthrough; minus strand). Cytogenetic location: 17q12.
Variant type: single nucleotide variant.
Coding change: c.718G>C on transcript NM_002878.4 (MANE Select); coding-DNA position 718, G replaced by C.
Protein change: p.Asp240His; replaces aspartic acid 240 with histidine.
Molecular consequence: missense variant. On other transcripts: non-coding transcript variant (3).
Genome position (GRCh38, 1-based): chr17:35,103,274, C>G on the plus strand (G>C on the coding strand, the complement: RAD51D is on the minus strand). VCF-style: chr17-35103274-C-G. GRCh37 (hg19) VCF-style: chr17-33430293-C-G.
Other names: c.778G>C, p.Asp260His (NM_001142571.2); c.382G>C, p.Asp128His (NM_133629.3); c.718G>C (NM_002878.3); short protein forms D128H, D240H, D260H.
Identifiers: ClinVar variation 1098876 (VCV001098876.2), dbSNP rs2091560282, ClinGen allele CA399087534.

ClinVar aggregate classification (germline): Uncertain significance. Review status: criteria provided, multiple submitters, no conflicts (2 of 4 stars). 2 submissions from 2 submitters: Uncertain significance (2). Last evaluated 2025-10-24.

Conditions:
Hereditary cancer-predisposing syndrome. Also called: Tumor predisposition; Hereditary neoplastic syndrome; Hereditary Cancer Syndrome; Neoplastic Syndromes, Hereditary. Identifiers: Orphanet 140162, MedGen C0027672, MeSH D009386, MONDO:0015356.
Breast-ovarian cancer, familial, susceptibility to, 4. Identifiers: Orphanet 145, MedGen C3280345, MONDO:0013669, OMIM 614291.

Submissions (2):

Ambry Genetics
Classification: Uncertain significance for Hereditary cancer-predisposing syndrome. Last evaluated: 2025-10-24. Review status: criteria provided, single submitter. Criteria: Ambry Variant Classification Scheme 2023. Collection method: clinical testing. Allele origin: germline.
Comment: The p.D240H variant (also known as c.718G>C), located in coding exon 8 of the RAD51D gene, results from a G to C substitution at nucleotide position 718. The aspartic acid at codon 240 is replaced by histidine, an amino acid with similar properties. This amino acid position is not well conserved in available vertebrate species. In addition, this alteration is predicted to be tolerated by in silico analysis. Based on the available evidence, the clinical significance of this variant remains unclear.

Hereditary Cancer Group, L’Institut d'Investigació Biomèdica de Bellvitge
Classification: Uncertain significance for Breast-ovarian cancer, familial, susceptibility to, 4. Last evaluated: 2021-05-10. Review status: criteria provided, single submitter. Criteria: ACMG Guidelines, 2015. Collection method: curation. Allele origin: germline.

Literature cited by the submitters: PubMed 32068069 (cited by Hereditary Cancer Group, L’Institut d'Investigació Biomèdica de Bellvitge).